The following is an entry in ClinVar:

NM_001291415.2(KDM6A):c.3654G>C (p.Trp1218Cys)

Gene: KDM6A (lysine demethylase 6A; plus strand). Cytogenetic location: Xp11.3.
Variant type: single nucleotide variant.
Coding change: c.3654G>C on transcript NM_001291415.2 (MANE Select); coding-DNA position 3654, G replaced by C.
Protein change: p.Trp1218Cys; replaces tryptophan 1218 with cysteine.
Molecular consequence: missense variant. On other transcripts: non-coding transcript variant (1).
Genome position (GRCh38, 1-based): chrX:45,085,929, G>C. VCF-style: chrX-45085929-G-C. GRCh37 (hg19) VCF-style: chrX-44945174-G-C.
Other names: c.3519G>C, p.Trp1173Cys (NM_001291416.2); c.3363G>C, p.Trp1121Cys (NM_001291417.2); c.3261G>C, p.Trp1087Cys (NM_001291418.2); c.2610G>C, p.Trp870Cys (NM_001291421.2); c.3396G>C, p.Trp1132Cys (NM_001410742.1); c.3498G>C, p.Trp1166Cys (NM_021140.4); short protein forms W1087C, W1121C, W1132C, W1166C, W1173C, W1218C, W870C.
Identifiers: ClinVar variation 1718700 (VCV001718700.5), dbSNP rs1325144068, ClinGen allele CA412805108.

ClinVar aggregate classification (germline): Uncertain significance (1 of 4 stars; one submission).

Conditions:
Kabuki syndrome 2 (KABUK2). Also called: KDM6A-Related Kabuki Syndrome. Identifiers: Orphanet 2322, MedGen C3275495, MONDO:0010465, OMIM 300867.

Submission:

Labcorp Genetics (formerly Invitae), Labcorp
Classification: Uncertain significance for Kabuki syndrome 2. Last evaluated: 2023-09-29. Review status: criteria provided, single submitter. Criteria: Invitae Variant Classification Sherloc (09022015). Collection method: clinical testing. Allele origin: germline.
Comment: In summary, the available evidence is currently insufficient to determine the role of this variant in disease. Therefore, it has been classified as a Variant of Uncertain Significance. Advanced modeling of protein sequence and biophysical properties (such as structural, functional, and spatial information, amino acid conservation, physicochemical variation, residue mobility, and thermodynamic stability) performed at Invitae indicates that this missense variant is expected to disrupt KDM6A protein function. ClinVar contains an entry for this variant (Variation ID: 1718700). This variant has not been reported in the literature in individuals affected with KDM6A-related conditions. This variant is not present in population databases (gnomAD no frequency). This sequence change replaces tryptophan, which is neutral and slightly polar, with cysteine, which is neutral and slightly polar, at codon 1166 of the KDM6A protein (p.Trp1166Cys).